The following is an entry in ClinVar:

NM_020297.4(ABCC9):c.1912-5T>C

Gene: ABCC9 (ATP binding cassette subfamily C member 9; minus strand). Cytogenetic location: 12p12.1.
Variant type: single nucleotide variant.
Coding change: c.1912-5T>C on transcript NM_020297.4 (MANE Select); 5 bases into the intron before coding-DNA position 1912, T replaced by C.
Molecular consequence: intron variant.
Genome position (GRCh38, 1-based): chr12:21,882,878, A>G on the plus strand (T>C on the coding strand, the complement: ABCC9 is on the minus strand). VCF-style: chr12-21882878-A-G. GRCh37 (hg19) VCF-style: chr12-22035812-A-G.
Other names: c.1048-5T>C (NM_001377274.1); c.1912-5T>C (NM_005691.4, NM_001377273.1, NM_005691.2).
Identifiers: ClinVar variation 1448257 (VCV001448257.7), dbSNP rs1478113552, ClinGen allele CA603674542.
Genomic context (GRCh38, chr12:21,882,878, plus strand): 5'-TCATAGCTGTCCAGGTGATATCTTCCAGGCTGTTTCCTGTTTATAGTTTTTGGCTGCTGC[A>G]TTCCAAATGGAAAAGAACACAAGTTGAGGCTTTATTAAAAAAATGAAGTTTTACTGAACA-3'

ClinVar aggregate classification (germline): Conflicting classifications of pathogenicity. Review status: criteria provided, conflicting classifications (1 of 4 stars). 2 submissions from 2 submitters: Uncertain significance (1); Likely benign (1). Last evaluated 2026-01-05.

Conditions:
Dilated cardiomyopathy 1O (CMD1O). Also called: CARDIOMYOPATHY, DILATED, WITH VENTRICULAR TACHYCARDIA. Identifiers: Orphanet 154, MedGen C1837839, MONDO:0012062, OMIM 608569.
Cardiovascular phenotype. Identifiers: MedGen CN230736.

Allele frequency attached by ClinVar (database versions not stated): gnomAD exomes below 0.00001; gnomAD 0.00001; TOPMed 0.00001.
gnomAD v4.1: 3 of 1,608,420 alleles (0.00019%); highest among the groups gnomAD compares: African/African-American, 0.0013%; no homozygotes.

Submissions (2):

Labcorp Genetics (formerly Invitae), Labcorp
Classification: Likely benign for Dilated cardiomyopathy 1O. Last evaluated: 2026-01-05. Review status: criteria provided, single submitter. Criteria: Invitae Variant Classification Sherloc (09022015). Collection method: clinical testing. Allele origin: germline.

Ambry Genetics
Classification: Uncertain significance for Cardiovascular phenotype. Last evaluated: 2025-01-15. Review status: criteria provided, single submitter. Criteria: Ambry Variant Classification Scheme 2023. Collection method: clinical testing. Allele origin: germline.
Comment: The c.1912-5T>C intronic variant results from a T to C substitution 5 nucleotides upstream from coding exon 14 in the ABCC9 gene. This nucleotide position is not well conserved in available vertebrate species. In silico splice site analysis predicts that this alteration will not have any significant effect on splicing. Based on the available evidence, the clinical significance of this variant remains unclear.